The following is an entry in ClinVar:

NM_017617.5(NOTCH1):c.4265G>A (p.Gly1422Glu)

Gene: NOTCH1 (notch receptor 1; minus strand). Cytogenetic location: 9q34.3.
Variant type: single nucleotide variant.
Coding change: c.4265G>A on transcript NM_017617.5 (MANE Select); coding-DNA position 4265, G replaced by A.
Protein change: p.Gly1422Glu; replaces glycine 1422 with glutamic acid.
Molecular consequence: missense variant.
Genome position (GRCh38, 1-based): chr9:136,505,631, C>T on the plus strand (G>A on the coding strand, the complement: NOTCH1 is on the minus strand). VCF-style: chr9-136505631-C-T. GRCh37 (hg19) VCF-style: chr9-139400083-C-T.
Other names: short protein forms G1422E.
Identifiers: ClinVar variation 3226966 (VCV003226966.1), dbSNP rs2133340063, ClinGen allele CA375648627.

ClinVar aggregate classification (germline): Uncertain significance (1 of 4 stars; one submission).

Conditions:
Familial thoracic aortic aneurysm and aortic dissection (TAAD). Also called: Thoracic aortic aneurysms and dissections. Identifiers: Orphanet 91387, MedGen C4707243, MONDO:0019625.

Submission:

Ambry Genetics
Classification: Uncertain significance for Familial thoracic aortic aneurysm and aortic dissection. Last evaluated: 2023-12-22. Review status: criteria provided, single submitter. Criteria: Ambry Variant Classification Scheme 2023. Collection method: clinical testing. Allele origin: germline.
Comment: The p.G1422E variant (also known as c.4265G>A), located in coding exon 25 of the NOTCH1 gene, results from a G to A substitution at nucleotide position 4265. The glycine at codon 1422 is replaced by glutamic acid, an amino acid with similar properties. This amino acid position is highly conserved in available vertebrate species. In addition, this alteration is predicted to be deleterious by in silico analysis. Since supporting evidence is limited at this time, the clinical significance of this alteration remains unclear.